The following is an entry in ClinVar:

NM_014363.6(SACS):c.12980del (p.Lys4327fs)

Gene: SACS (sacsin molecular chaperone; minus strand). Cytogenetic location: 13q12.12.
Variant type: Deletion.
Coding change: c.12980del on transcript NM_014363.6 (MANE Select); coding-DNA position 12980, one base deleted (A; older notation c.12980delA).
Protein change: p.Lys4327fs; shifts the reading frame from lysine 4327.
Molecular consequence: frameshift variant.
Genome position (GRCh38, 1-based): chr13:23,330,896, T deleted on the plus strand (A on the coding strand, the reverse complement: SACS is on the minus strand); the first of 6 consecutive T bases (chr13:23,330,896-23,330,901); deleting any one gives the same sequence. VCF-style (leftmost placement, unchanged base first): chr13-23330895-CT-C. GRCh37 (hg19) VCF-style: chr13-23905034-CT-C.
Other names: c.12539del, p.Lys4180fs (NM_001278055.2); short protein forms K4180fs, K4327fs.
Identifiers: ClinVar variation 555233 (VCV000555233.13), dbSNP rs1555249371, ClinGen allele CA658823516.

ClinVar aggregate classification (germline): Pathogenic/Likely pathogenic. Review status: criteria provided, multiple submitters, no conflicts (2 of 4 stars). 3 submissions from 3 submitters: Pathogenic (1); Likely pathogenic (1). 1 of the submissions does not count toward it. Last evaluated 2021-09-05.

Conditions:
Spastic paraplegia. Identifiers: MedGen C0037772, HP:0001258.
Charlevoix-Saguenay spastic ataxia (SACS). Also called: SPASTIC ATAXIA 6, AUTOSOMAL RECESSIVE; Spastic ataxia of Charlevoix-Saguenay; AUTOSOMAL RECESSIVE SPASTIC ATAXIA OF CHARLEVOIX-SAGUENAY. Identifiers: Orphanet 98, MedGen C1849140, MONDO:0010041, OMIM 270550.

Submissions (3):

Genome-Nilou Lab
Classification: Likely pathogenic for Charlevoix-Saguenay spastic ataxia. Last evaluated: 2021-09-05. Review status: criteria provided, single submitter. Criteria: ACMG Guidelines, 2015. Collection method: clinical testing. Allele origin: germline. Affected: no.

Labcorp Genetics (formerly Invitae), Labcorp
Classification: Pathogenic for Spastic paraplegia. Last evaluated: 2020-01-29. Review status: criteria provided, single submitter. Criteria: Invitae Variant Classification Sherloc (09022015). Collection method: clinical testing. Allele origin: germline.
Comment: This sequence change results in a premature translational stop signal in the SACS gene (p.Lys4327Argfs*8). While this is not anticipated to result in nonsense mediated decay, it is expected to disrupt the last 253 amino acids of the SACS protein. This variant is not present in population databases (ExAC no frequency). For these reasons, this variant has been classified as Pathogenic. This variant disrupts the C-terminus of the SACS protein. Other variant(s) that disrupt this region (p.Asn4549Asp, p.Glu4510Argfs*4) have been determined to be pathogenic (PMID: 21507954, 15156359, 29915382). This suggests that variants that disrupt this region of the protein are likely to be causative of disease. This variant has not been reported in the literature in individuals with SACS-related conditions. ClinVar contains an entry for this variant (Variation ID: 555233).

Counsyl
Classification: Likely pathogenic for Charlevoix-Saguenay spastic ataxia. Last evaluated: 2017-11-29. Review status: no assertion criteria provided. Collection method: clinical testing. Allele origin: unknown. Not counted in ClinVar's aggregate classification.

Literature cited by the submitters: PubMed 21507954 (cited by Labcorp Genetics (formerly Invitae), Labcorp); PubMed 15156359 (cited by Labcorp Genetics (formerly Invitae), Labcorp); PubMed 29915382 (cited by Labcorp Genetics (formerly Invitae), Labcorp).